The following is an entry in ClinVar:

NM_000088.4(COL1A1):c.3993C>T (p.Thr1331=)

Gene: COL1A1 (collagen type I alpha 1 chain; minus strand). Cytogenetic location: 17q21.33.
Variant type: single nucleotide variant.
Coding change: c.3993C>T on transcript NM_000088.4 (MANE Select); coding-DNA position 3993, C replaced by T.
Protein change: p.Thr1331=; no amino-acid change (threonine 1331 retained).
Molecular consequence: synonymous variant.
Genome position (GRCh38, 1-based): chr17:50,186,329, G>A on the plus strand (C>T on the coding strand, the complement: COL1A1 is on the minus strand). VCF-style: chr17-50186329-G-A. GRCh37 (hg19) VCF-style: chr17-48263690-G-A.
Other names: p.Thr1331=.
Identifiers: ClinVar variation 683675 (VCV000683675.25), dbSNP rs148659814, ClinGen allele CA8644301.
Genomic context (GRCh38, chr17:50,186,329, plus strand): 5'-TGGGCTAGCCCATCTCCTAACACTGGCTCTGAGGTCCAGCTCACGCACCTGGAATCCATC[G>A]GTCATGCTCTCGCCGAACCAGACATGCCTCTTGTCCTTGGGGTTCTTGCTGATGTACCAG-3'
Protein context (NP_000079.2, residues 1321-1341): KRHVWFGESM[Thr1331=]DGFQFEYGGQ

ClinVar aggregate classification (germline): Benign/Likely benign. Review status: criteria provided, multiple submitters, no conflicts (2 of 4 stars). 8 submissions from 8 submitters: Benign (2); Likely benign (5). 1 of the submissions does not count toward it. Last evaluated 2026-01-09.

Conditions:
Osteogenesis imperfecta type I (OI1). Also called: OI, TYPE I; OSTEOGENESIS IMPERFECTA TARDA; OSTEOGENESIS IMPERFECTA WITH BLUE SCLERAE; Osteogenesis imperfecta type 1; Lobstein disease; Lobstein's Disease. Identifiers: Orphanet 216796, Orphanet 666, MedGen C0023931, MONDO:0008146, OMIM 166200. Disease mechanism: loss of function.
Cardiovascular phenotype. Identifiers: MedGen CN230736.
COL1A1-related disorder. Also called: COL1A1- related disease; COL1A1-related condition.

Allele frequency attached by ClinVar (database versions not stated): gnomAD exomes 0.00026; ExAC 0.00029; gnomAD 0.00082 and 0.00085; TOPMed 0.00087; ESP Exome Variant Server 0.00100; 1000 Genomes Project 30x 0.00156; 1000 Genomes Project 0.00180.
gnomAD v4.1: 269 of 1,614,194 alleles (0.017%); highest among the groups gnomAD compares: African/African-American, 0.31%; no homozygotes.

Submissions (8):

Labcorp Genetics (formerly Invitae), Labcorp
Classification: Benign for Osteogenesis imperfecta type I. Last evaluated: 2026-01-09. Review status: criteria provided, single submitter. Criteria: Invitae Variant Classification Sherloc (09022015). Collection method: clinical testing. Allele origin: germline.

Athena Diagnostics
Classification: Benign. Last evaluated: 2024-11-14. Review status: criteria provided, single submitter. Criteria: Athena Diagnostics Criteria. Collection method: clinical testing. Allele origin: unknown.

Mayo Clinic Laboratories, Mayo Clinic
Classification: Likely benign. Last evaluated: 2024-10-21. Review status: criteria provided, single submitter. Criteria: ACMG Guidelines, 2015. Collection method: clinical testing. Allele origin: germline. Observed: 4 variant alleles.
Comment: BS1, BP4, BP7

Blueprint Genetics
Classification: Likely benign. Last evaluated: 2024-03-05. Review status: criteria provided, single submitter. Criteria: ACMG Guidelines, 2015. Collection method: clinical testing. Allele origin: germline.

GeneDx
Classification: Likely benign. Last evaluated: 2020-12-16. Review status: criteria provided, single submitter. Criteria: GeneDx Variant Classification Process June 2021. Collection method: clinical testing. Allele origin: germline. Affected: yes.

ARUP Laboratories, Molecular Genetics and Genomics, ARUP Laboratories
Classification: Likely benign. Last evaluated: 2019-11-08. Review status: criteria provided, single submitter. Criteria: ARUP Molecular Germline Variant Investigation Process. Collection method: clinical testing. Allele origin: germline.

Ambry Genetics
Classification: Likely benign for Cardiovascular phenotype. Last evaluated: 2019-05-17. Review status: criteria provided, single submitter. Criteria: Ambry Variant Classification Scheme 2023. Collection method: clinical testing. Allele origin: germline.

PreventionGenetics, part of Exact Sciences
Classification: Likely benign for COL1A1-related condition. Last evaluated: 2024-01-20. Review status: no assertion criteria provided. Collection method: clinical testing. Allele origin: germline. Not counted in ClinVar's aggregate classification.
Comment: This variant is classified as likely benign based on ACMG/AMP sequence variant interpretation guidelines (Richards et al. 2015 PMID: 25741868, with internal and published modifications).